The following is an entry in ClinVar:

NM_003803.4(MYOM1):c.2324C>A (p.Ala775Glu)

Gene: MYOM1 (myomesin 1; minus strand). Cytogenetic location: 18p11.31.
Variant type: single nucleotide variant.
Coding change: c.2324C>A on transcript NM_003803.4 (MANE Select); coding-DNA position 2324, C replaced by A.
Protein change: p.Ala775Glu; replaces alanine 775 with glutamic acid.
Molecular consequence: missense variant.
Genome position (GRCh38, 1-based): chr18:3,134,710, G>T on the plus strand (C>A on the coding strand, the complement: MYOM1 is on the minus strand). VCF-style: chr18-3134710-G-T. GRCh37 (hg19) VCF-style: chr18-3134708-G-T.
Other names: c.2324C>A, p.Ala775Glu (NM_019856.2); short protein forms A775E.
Identifiers: ClinVar variation 454437 (VCV000454437.10), dbSNP rs765961982, ClinGen allele CA8874684.

ClinVar aggregate classification (germline): Uncertain significance. Review status: criteria provided, multiple submitters, no conflicts (2 of 4 stars). 2 submissions from 2 submitters: Uncertain significance (2). Last evaluated 2025-10-11.

Conditions:
Hypertrophic cardiomyopathy. Also called: HYPERTROPHIC MYOCARDIOPATHY. Identifiers: Orphanet 217569, MedGen C0007194, MeSH D002312, MONDO:0005045, HP:0001639.

Allele frequency attached by ClinVar (database versions not stated): TOPMed 0.00007; gnomAD 0.00010.
gnomAD v4.1: 100 of 1,613,728 alleles (0.0062%); highest among the groups gnomAD compares: Non-Finnish European, 0.0081%; no homozygotes.

Submissions (2):

Ambry Genetics
Classification: Uncertain significance. Last evaluated: 2025-10-11. Review status: criteria provided, single submitter. Criteria: Ambry Variant Classification Scheme 2023. Collection method: clinical testing. Allele origin: germline.
Comment: The p.A775E variant (also known as c.2324C>A), located in coding exon 15 of the MYOM1 gene, results from a C to A substitution at nucleotide position 2324. The alanine at codon 775 is replaced by glutamic acid, an amino acid with dissimilar properties. This amino acid position is conserved. In addition, this alteration is predicted to be tolerated by in silico analysis. Since supporting evidence is limited at this time, the clinical significance of this alteration remains unclear.

Labcorp Genetics (formerly Invitae), Labcorp
Classification: Uncertain significance for Hypertrophic cardiomyopathy. Last evaluated: 2025-07-09. Review status: criteria provided, single submitter. Criteria: Invitae Variant Classification Sherloc (09022015). Collection method: clinical testing. Allele origin: germline.
Comment: This sequence change replaces alanine, which is neutral and non-polar, with glutamic acid, which is acidic and polar, at codon 775 of the MYOM1 protein (p.Ala775Glu). This variant is present in population databases (rs765961982, gnomAD 0.005%). This variant has not been reported in the literature in individuals affected with MYOM1-related conditions. ClinVar contains an entry for this variant (Variation ID: 454437). Invitae Evidence Modeling of protein sequence and biophysical properties (such as structural, functional, and spatial information, amino acid conservation, physicochemical variation, residue mobility, and thermodynamic stability) indicates that this missense variant is not expected to disrupt MYOM1 protein function with a negative predictive value of 80%. In summary, the available evidence is currently insufficient to determine the role of this variant in disease. Therefore, it has been classified as a Variant of Uncertain Significance.